The following is an entry in ClinVar:

ClinVar aggregate classification (germline): Benign/Likely benign. Review status: criteria provided, multiple submitters, no conflicts (2 of 4 stars). 5 submissions from 5 submitters: Benign (3); Likely benign (2). Last evaluated 2026-03-01.

Conditions:
Wiedemann-Steiner syndrome (WDSTS). Also called: Growth deficiency and mental retardation with facial dysmorphism. Identifiers: Orphanet 319182, MedGen C1854630, MONDO:0011518, OMIM 605130.

Allele frequency attached by ClinVar (database versions not stated): gnomAD exomes 0.00060 and 0.00249; gnomAD 0.00097 and 0.00117; TOPMed 0.00146; ExAC 0.00245; 1000 Genomes Project 30x 0.00453; 1000 Genomes Project 0.00479.
gnomAD v4.1: 1,070 of 1,614,156 alleles (0.066%); highest among the groups gnomAD compares: East Asian, 2.2%; 15 homozygotes.

Submissions (5):

CeGaT Center for Human Genetics Tuebingen
Classification: Benign. Last evaluated: 2026-03-01. Review status: criteria provided, single submitter. Criteria: CeGaT Center For Human Genetics Tuebingen Variant Classification Criteria Version 2. Collection method: clinical testing. Allele origin: germline. Affected: yes. Observed: 1 variant allele.
Comment: KMT2A: BS1, BS2

Labcorp Genetics (formerly Invitae), Labcorp
Classification: Benign. Last evaluated: 2026-02-01. Review status: criteria provided, single submitter. Criteria: Invitae Variant Classification Sherloc (09022015). Collection method: clinical testing. Allele origin: germline.

Fulgent Genetics
Classification: Likely benign for Wiedemann-Steiner syndrome. Last evaluated: 2022-01-06. Review status: criteria provided, single submitter. Criteria: ACMG Guidelines, 2015. Collection method: clinical testing. Allele origin: unknown.

GeneDx
Classification: Benign. Last evaluated: 2019-08-22. Review status: criteria provided, single submitter. Criteria: GeneDx Variant Classification Process June 2021. Collection method: clinical testing. Allele origin: germline. Affected: yes.
Comment: This variant is associated with the following publications: (PMID: 28386848)

Center for Pediatric Genomic Medicine, Children's Mercy Hospital and Clinics
Classification: Likely benign. Last evaluated: 2017-03-29. Review status: criteria provided, single submitter. Criteria: ACMG Guidelines, 2015. Collection method: clinical testing. Allele origin: germline.

NM_001197104.2(KMT2A):c.9391G>A (p.Gly3131Ser)

Gene: KMT2A (lysine methyltransferase 2A; plus strand). Cytogenetic location: 11q23.3.
Variant type: single nucleotide variant.
Coding change: c.9391G>A on transcript NM_001197104.2 (MANE Select); coding-DNA position 9391, G replaced by A.
Protein change: p.Gly3131Ser; replaces glycine 3131 with serine.
Molecular consequence: missense variant.
Genome position (GRCh38, 1-based): chr11:118,505,283, G>A. VCF-style: chr11-118505283-G-A. GRCh37 (hg19) VCF-style: chr11-118375998-G-A.
Other names: c.9382G>A, p.Gly3128Ser (NM_005933.4); short protein forms G3131S, G3128S.
Identifiers: ClinVar variation 445858 (VCV000445858.20), dbSNP rs150804738, ClinGen allele CA6304588.
Genomic context (GRCh38, chr11:118,505,283, plus strand): 5'-GTTAGTTCTACACCCAGTGTGATGGAGACAAATACTTCAGTATTGGGACCCATGGGAGGT[G>A]GTCTCACCCTTACCACAGGACTAAATCCAAGCTTGCCAACTTCTCAATCTTTGTTCCCTT-3'
Protein context (NP_001184033.1, residues 3121-3141): NTSVLGPMGG[Gly3131Ser]LTLTTGLNPS